The following is an entry in ClinVar:

ClinVar aggregate classification (germline): Pathogenic (1 of 4 stars; one submission).

Conditions:
Wiedemann-Steiner syndrome (WDSTS). Also called: Growth deficiency and mental retardation with facial dysmorphism. Identifiers: Orphanet 319182, MedGen C1854630, MONDO:0011518, OMIM 605130.

Submission:

Wales Gene Park, Division Of Cancer and Genetics, Cardiff University
Classification: Pathogenic for Wiedemann-Steiner syndrome. Last evaluated: 2026-04-28. Review status: criteria provided, single submitter. Criteria: ACGS Best Practice Guidelines for Variant Classification in Rare Disease 2024. Collection method: research. Allele origin: de novo. Inheritance: Autosomal dominant inheritance. Affected: yes. Study: 100,000 Genomes Project (Wales).
Comment: De novo KMT2A frameshift variant detected by trio genome sequencing. Not present in gnomAD (v4.1.1). Evidence codes: PVS1, PS2, PM2.

NM_001197104.2(KMT2A):c.2146dup (p.Thr716fs)

Gene: KMT2A (lysine methyltransferase 2A; plus strand). Cytogenetic location: 11q23.3.
Variant type: Duplication.
Coding change: c.2146dup on transcript NM_001197104.2 (MANE Select); coding-DNA position 2146, one base duplicated (A; older notation c.2146dupA).
Protein change: p.Thr716fs; shifts the reading frame from threonine 716.
Molecular consequence: frameshift variant.
Genome position (GRCh38, 1-based): chr11:118,473,305, A duplicated; the last of 2 consecutive A bases (chr11:118,473,304-118,473,305); duplicating either gives the same sequence. VCF-style (leftmost placement, unchanged base first): chr11-118473303-T-TA. GRCh37 (hg19) VCF-style: chr11-118344018-T-TA.
Other names: c.2245dup, p.Thr749fs (NM_001412597.1); c.2146dup, p.Thr716fs (NM_005933.4); short protein forms T716fs, T749fs.
Identifiers: ClinVar variation 4880202 (VCV004880202.1).